The following is an entry in ClinVar:

ClinVar aggregate classification (germline): Benign/Likely benign. Review status: criteria provided, multiple submitters, no conflicts (2 of 4 stars). 7 submissions from 7 submitters: Benign (5); Likely benign (2). Last evaluated 2026-07-01.

Conditions:
Curry-Hall syndrome (WAD). Also called: WEYERS ACRODENTAL DYSOSTOSIS. Identifiers: Orphanet 952, MedGen C0457013, MONDO:0008673, OMIM 193530.
Ellis-van Creveld syndrome (EVC). Also called: MESOECTODERMAL DYSPLASIA; Chondroectodermal dysplasia. Identifiers: Orphanet 289, MedGen C0013903, MONDO:0009162, OMIM 225500.

Allele frequency attached by ClinVar (database versions not stated): 1000 Genomes Project 30x 0.00500; gnomAD exomes 0.00095; ExAC 0.00124; gnomAD 0.00363 and 0.00388; TOPMed 0.00389; ESP Exome Variant Server 0.00415; 1000 Genomes Project 0.00479.
gnomAD v4.1: 1,066 of 1,613,986 alleles (0.066%); highest among the groups gnomAD compares: African/African-American, 1.3%; 8 homozygotes.

Submissions (7):

CeGaT Center for Human Genetics Tuebingen
Classification: Likely benign. Last evaluated: 2026-07-01. Review status: criteria provided, single submitter. Criteria: CeGaT Center For Human Genetics Tuebingen Variant Classification Criteria Version 2. Collection method: clinical testing. Allele origin: germline. Affected: yes. Observed: 1 variant allele.
Comment: EVC2: BP4, BP7, BS1

Labcorp Genetics (formerly Invitae), Labcorp
Classification: Benign for Curry-Hall syndrome; Ellis-van Creveld syndrome. Last evaluated: 2026-02-04. Review status: criteria provided, single submitter. Criteria: Invitae Variant Classification Sherloc (09022015). Collection method: clinical testing. Allele origin: germline.

ARUP Laboratories, Molecular Genetics and Genomics, ARUP Laboratories
Classification: Benign. Last evaluated: 2024-08-13. Review status: criteria provided, single submitter. Criteria: ARUP Molecular Germline Variant Investigation Process 2024. Collection method: clinical testing. Allele origin: germline.

Blueprint Genetics
Classification: Likely benign. Last evaluated: 2024-08-06. Review status: criteria provided, single submitter. Criteria: ACMG Guidelines, 2015. Collection method: clinical testing. Allele origin: germline.

GeneDx
Classification: Benign. Last evaluated: 2020-04-16. Review status: criteria provided, single submitter. Criteria: GeneDx Variant Classification Process June 2021. Collection method: clinical testing. Allele origin: germline. Affected: yes.

Illumina Laboratory Services, Illumina
Classification: Benign for Ellis-van Creveld syndrome. Last evaluated: 2018-01-13. Review status: criteria provided, single submitter. Criteria: ICSL Variant Classification Criteria 13 December 2019. Collection method: clinical testing. Allele origin: germline.
Comment: This variant was observed in the ICSL laboratory as part of a predisposition screen in an ostensibly healthy population. It had not been previously curated by ICSL or reported in the Human Gene Mutation Database (HGMD: prior to June 1st, 2018), and was therefore a candidate for classification through an automated scoring system. Utilizing variant allele frequency, disease prevalence and penetrance estimates, and inheritance mode, an automated score was calculated to assess if this variant is too frequent to cause the disease. Based on the score and internal cut-off values, a variant classified as benign is not then subjected to further curation. The score for this variant resulted in a classification of benign for this disease.

Breakthrough Genomics
Classification: Benign. Review status: criteria provided, single submitter. Criteria: ACMG Guidelines, 2015. Collection method: not provided. Allele origin: germline. Inheritance: Autosomal recessive inheritance. Affected: yes.

NM_147127.5(EVC2):c.3561A>G (p.Lys1187=)

Gene: EVC2 (EvC ciliary complex subunit 2; minus strand). Cytogenetic location: 4p16.2.
Variant type: single nucleotide variant.
Coding change: c.3561A>G on transcript NM_147127.5 (MANE Select); coding-DNA position 3561, A replaced by G.
Protein change: p.Lys1187=; no amino-acid change (lysine 1187 retained).
Molecular consequence: synonymous variant.
Genome position (GRCh38, 1-based): chr4:5,565,356, T>C on the plus strand (A>G on the coding strand, the complement: EVC2 is on the minus strand). VCF-style: chr4-5565356-T-C. GRCh37 (hg19) VCF-style: chr4-5567083-T-C.
Other names: c.3321A>G, p.Lys1107= (NM_001166136.2).
Identifiers: ClinVar variation 506668 (VCV000506668.28), dbSNP rs76523157, ClinGen allele CA2834255.
Genomic context (GRCh38, chr4:5,565,356, plus strand): 5'-TCCTCTGCTTATCAGATCTCCTCGCAGTTTGCCATCTAAGGCTTGCCACCAGCTCTGGTG[T>C]TTCCTGCAGGCAAGAAGGGAGTCTTATAGTTTCAAAAATACGCCTGTAATCCCACTGTAA-3'
Protein context (NP_667338.3, residues 1177-1197): AEQADVGRRR[Lys1187=]HQSWWQALDG